The following is an entry in ClinVar:

ClinVar aggregate classification (germline): Benign/Likely benign. Review status: criteria provided, multiple submitters, no conflicts (2 of 4 stars). 5 submissions from 5 submitters: Benign (1); Likely benign (4). Last evaluated 2026-01-28.

Conditions:
Birt-Hogg-Dube syndrome 1 (BHD1). Also called: FIBROFOLLICULOMAS WITH TRICHODISCOMAS AND ACROCHORDONS. Identifiers: Orphanet 122, MedGen CN375946, MONDO:0800445, OMIM 135150.
Birt-Hogg-Dube syndrome. Also called: Birt Hogg Dubé syndrome. Identifiers: Orphanet 122, MedGen C0346010, MONDO:0800444.
Hereditary cancer-predisposing syndrome. Also called: Tumor predisposition; Hereditary neoplastic syndrome; Neoplastic Syndromes, Hereditary; Hereditary Cancer Syndrome. Identifiers: Orphanet 140162, MedGen C0027672, MeSH D009386, MONDO:0015356.

Allele frequency attached by ClinVar (database versions not stated): gnomAD 0.00001; TOPMed 0.00001; gnomAD exomes 0.00002.
gnomAD v4.1: 29 of 1,614,136 alleles (0.0018%); highest among the groups gnomAD compares: Middle Eastern, 0.016%; no homozygotes.

Submissions (5):

Labcorp Genetics (formerly Invitae), Labcorp
Classification: Likely benign for Birt-Hogg-Dube syndrome. Last evaluated: 2026-01-28. Review status: criteria provided, single submitter. Criteria: Invitae Variant Classification Sherloc (09022015). Collection method: clinical testing. Allele origin: germline.

Myriad Genetics, Inc.
Classification: Benign for Birt-Hogg-Dube syndrome 1. Last evaluated: 2024-10-23. Review status: criteria provided, single submitter. Criteria: Myriad Autosomal Dominant, Autosomal Recessive and X-Linked Classification Criteria (2023). Collection method: clinical testing. Allele origin: unknown.
Comment: This variant is considered benign. This variant is a silent/synonymous amino acid change and it is not expected to impact splicing.

Quest Diagnostics Nichols Institute San Juan Capistrano
Classification: Likely benign. Last evaluated: 2022-10-25. Review status: criteria provided, single submitter. Criteria: Quest Diagnostics criteria. Collection method: clinical testing. Allele origin: unknown.

Sema4
Classification: Likely benign for Hereditary cancer-predisposing syndrome. Last evaluated: 2021-10-25. Review status: criteria provided, single submitter. Criteria: Sema4 Curation Guidelines. Collection method: curation. Allele origin: germline.

Ambry Genetics
Classification: Likely benign for Hereditary cancer-predisposing syndrome. Last evaluated: 2018-11-21. Review status: criteria provided, single submitter. Criteria: Ambry Variant Classification Scheme 2023. Collection method: clinical testing. Allele origin: germline.

NM_144997.7(FLCN):c.702C>T (p.Asn234=)

Gene: FLCN (folliculin; minus strand). Cytogenetic location: 17p11.2.
Variant type: single nucleotide variant.
Coding change: c.702C>T on transcript NM_144997.7 (MANE Select); coding-DNA position 702, C replaced by T.
Protein change: p.Asn234=; no amino-acid change (asparagine 234 retained).
Molecular consequence: synonymous variant.
Genome position (GRCh38, 1-based): chr17:17,222,578, G>A on the plus strand (C>T on the coding strand, the complement: FLCN is on the minus strand). VCF-style: chr17-17222578-G-A. GRCh37 (hg19) VCF-style: chr17-17125892-G-A.
Other names: c.756C>T, p.Asn252= (NM_001353229.2); c.702C>T, p.Asn234= (NM_001353230.2, NM_001353231.2, NM_144606.7); c.702C>T (NM_144997.6).
Identifiers: ClinVar variation 703747 (VCV000703747.13), dbSNP rs1471089893, ClinGen allele CA498164530.